The following is an entry in ClinVar:

ClinVar aggregate classification (germline): Uncertain significance (1 of 4 stars; one submission).

Conditions:
Charcot-Marie-Tooth disease type 2. Also called: Charcot-Marie-Tooth type 2. Identifiers: Orphanet 64746, MedGen C0270914, MONDO:0018993.

Submission:

Labcorp Genetics (formerly Invitae), Labcorp
Classification: Uncertain significance for Charcot-Marie-Tooth disease type 2. Last evaluated: 2023-11-05. Review status: criteria provided, single submitter. Criteria: Invitae Variant Classification Sherloc (09022015). Collection method: clinical testing. Allele origin: germline.
Comment: This sequence change replaces serine, which is neutral and polar, with cysteine, which is neutral and slightly polar, at codon 192 of the GARS protein (p.Ser192Cys). This variant is not present in population databases (gnomAD no frequency). This variant has not been reported in the literature in individuals affected with GARS-related conditions. Advanced modeling of protein sequence and biophysical properties (such as structural, functional, and spatial information, amino acid conservation, physicochemical variation, residue mobility, and thermodynamic stability) has been performed at Invitae for this missense variant, however the output from this modeling did not meet the statistical confidence thresholds required to predict the impact of this variant on GARS protein function. In summary, the available evidence is currently insufficient to determine the role of this variant in disease. Therefore, it has been classified as a Variant of Uncertain Significance.

NM_002047.4(GARS1):c.575C>G (p.Ser192Cys)

Gene: GARS1 (glycyl-tRNA synthetase 1; plus strand). Cytogenetic location: 7p14.3.
Variant type: single nucleotide variant.
Coding change: c.575C>G on transcript NM_002047.4 (MANE Select); coding-DNA position 575, C replaced by G.
Protein change: p.Ser192Cys; replaces serine 192 with cysteine.
Molecular consequence: missense variant.
Genome position (GRCh38, 1-based): chr7:30,603,039, C>G. VCF-style: chr7-30603039-C-G. GRCh37 (hg19) VCF-style: chr7-30642655-C-G.
Other names: c.413C>G, p.Ser138Cys (NM_001316772.1); short protein forms S192C, S138C.
Identifiers: ClinVar variation 2693432 (VCV002693432.3), dbSNP rs2534293468, ClinGen allele CA367139655.
Genomic context (GRCh38, chr7:30,603,039, plus strand): 5'-ATCTATGTGTAATTTGTATGAGAATGACAAATTGGGTTGGCATTTGTTAATTTAGGACCT[C>G]TGGCCATGTAGACAAATTTGCTGACTTCATGGTGAAAGACGTAAAAAATGGAGAATGTTT-3'
Protein context (NP_002038.2, residues 182-202): MLTPEPVLKT[Ser192Cys]GHVDKFADFM